The following is an entry in ClinVar:

ClinVar aggregate classification (germline): Uncertain significance (1 of 4 stars; one submission).

Submission:

Labcorp Genetics (formerly Invitae), Labcorp
Classification: Uncertain significance. Last evaluated: 2025-04-28. Review status: criteria provided, single submitter. Criteria: Invitae Variant Classification Sherloc (09022015). Collection method: clinical testing. Allele origin: germline.
Comment: This sequence change replaces threonine, which is neutral and polar, with serine, which is neutral and polar, at codon 993 of the AMER1 protein (p.Thr993Ser). This variant is not present in population databases (gnomAD no frequency). This variant has not been reported in the literature in individuals affected with AMER1-related conditions. ClinVar contains an entry for this variant (Variation ID: 2994010). An algorithm developed to predict the effect of missense changes on protein structure and function (PolyPhen-2) suggests that this variant is likely to be tolerated. In summary, the available evidence is currently insufficient to determine the role of this variant in disease. Therefore, it has been classified as a Variant of Uncertain Significance.

NM_152424.4(AMER1):c.2977A>T (p.Thr993Ser)

Gene: AMER1 (APC membrane recruitment protein 1; minus strand). Cytogenetic location: Xq11.2.
Variant type: single nucleotide variant.
Coding change: c.2977A>T on transcript NM_152424.4 (MANE Select); coding-DNA position 2977, A replaced by T.
Protein change: p.Thr993Ser; replaces threonine 993 with serine.
Molecular consequence: missense variant.
Genome position (GRCh38, 1-based): chrX:64,190,310, T>A on the plus strand (A>T on the coding strand, the complement: AMER1 is on the minus strand). VCF-style: chrX-64190310-T-A. GRCh37 (hg19) VCF-style: chrX-63410190-T-A.
Other names: short protein forms T993S.
Identifiers: ClinVar variation 2994010 (VCV002994010.3), dbSNP rs2147084865, ClinGen allele CA413301767.